The following is an entry in ClinVar:

ClinVar aggregate classification (germline): Uncertain significance (1 of 4 stars; one submission).

Conditions:
Encephalopathy, acute, infection-induced (herpes-specific), susceptibility to, 1. Also called: Herpes simplex encephalitis, susceptibility to, 1. Identifiers: Orphanet 1930, MedGen C2750180, MONDO:0024563, OMIM 610551.

gnomAD v4.1: 3 of 1,614,024 alleles (0.00019%); highest among the groups gnomAD compares: Non-Finnish European, 0.00025%; no homozygotes.

Submission:

Labcorp Genetics (formerly Invitae), Labcorp
Classification: Uncertain significance for Encephalopathy, acute, infection-induced (herpes-specific), susceptibility to, 1. Last evaluated: 2024-11-15. Review status: criteria provided, single submitter. Criteria: Invitae Variant Classification Sherloc (09022015). Collection method: clinical testing. Allele origin: germline.
Comment: This sequence change replaces leucine, which is neutral and non-polar, with phenylalanine, which is neutral and non-polar, at codon 340 of the TLR3 protein (p.Leu340Phe). This variant is present in population databases (no rsID available, gnomAD 0.0009%). This variant has not been reported in the literature in individuals affected with TLR3-related conditions. An algorithm developed to predict the effect of missense changes on protein structure and function (PolyPhen-2) suggests that this variant is likely to be tolerated. In summary, the available evidence is currently insufficient to determine the role of this variant in disease. Therefore, it has been classified as a Variant of Uncertain Significance.

NM_003265.3(TLR3):c.1018C>T (p.Leu340Phe)

Gene: TLR3 (toll like receptor 3; plus strand). Cytogenetic location: 4q35.1.
Variant type: single nucleotide variant.
Coding change: c.1018C>T on transcript NM_003265.3 (MANE Select); coding-DNA position 1018, C replaced by T.
Protein change: p.Leu340Phe; replaces leucine 340 with phenylalanine.
Molecular consequence: missense variant.
Genome position (GRCh38, 1-based): chr4:186,082,704, C>T. VCF-style: chr4-186082704-C-T. GRCh37 (hg19) VCF-style: chr4-187003858-C-T.
Other names: short protein forms L340F.
Identifiers: ClinVar variation 3700925 (VCV003700925.2).